The following is an entry in ClinVar:

ClinVar aggregate classification (germline): Uncertain significance (1 of 4 stars; one submission).

Submission:

GeneDx
Classification: Uncertain significance. Last evaluated: 2014-08-28. Review status: criteria provided, single submitter. Criteria: GeneDx Variant Classification (06012015). Collection method: clinical testing. Allele origin: germline. Affected: yes.
Comment: c.5770_5790delCGTGCTTACAGACGCCACCTT: p.Arg1924_Leu1930del (R1924_L1930del) in exon 26 of the SCN1A gene (NM_001165963.1). The normal sequence with the bases that are deleted in braces is: TCAG{CGTGCTTACAGACGCCACCTT}TTAA. A variant of unknown significance has been identified in the SCN1A gene. The c.5770_5790delCGTGCTTACAGACGCCACCTT variant has not been published as a mutation, nor has it been reported as a benign polymorphism to our knowledge. It was not observed in approximately 6,500 individuals of European and African American ancestry in the NHLBI Exome Sequencing Project, indicating it is not a common benign variant in these populations. The c.5770_5790delCGTGCTTACAGACGCCACCTT variant results in an in-frame deletion of 7 amino acid residues, denoted p.R1924_L1930del and is not expected to result in protein truncation or nonsense-mediated mRNA decay. However, this deletion occurs at a conserved position in mammals in the C-terminal region of the SCN1A protein (Escayg et al., 2010) and other in-frame deletions haven been reported in the SCN1A gene in association with SCN1A-related disorders in an external mutation database. Therefore, based on the currently available information, it is unclear whether this variant is a pathogenic mutation or a rare benign variant. The variant is found in EPILEPSY panel(s).

NM_001165963.4(SCN1A):c.5770_5790del (p.Arg1924_Leu1930del)

Genes: SCN1A (sodium voltage-gated channel alpha subunit 1; minus strand), LOC102724058 (uncharacterized LOC102724058; plus strand). Cytogenetic location: 2q24.3.
Variant type: Deletion.
Coding change: c.5770_5790del on transcript NM_001165963.4 (MANE Select); coding-DNA positions 5770 to 5790, 21 bases deleted (CGTGCTTACAGACGCCACCTT).
Protein change: p.Arg1924_Leu1930del.
Molecular consequence: inframe deletion. On other transcripts: non-coding transcript variant (1).
Genome position (GRCh38, 1-based): chr2:165,991,485-165,991,505, AAGGTGGCGTCTGTAAGCACG deleted on the plus strand (CGTGCTTACAGACGCCACCTT on the coding strand, the reverse complement: SCN1A is on the minus strand). VCF-style (leftmost placement, unchanged base first): chr2-165991484-AAAGGTGGCGTCTGTAAGCACG-A. GRCh37 (hg19) VCF-style: chr2-166847994-AAAGGTGGCGTCTGTAAGCACG-A.
Other names: c.5686_5706del, p.Arg1896_Leu1902del (NM_001165964.3, NM_001353957.2, NM_001353958.2); c.5770_5790del, p.Arg1924_Leu1930del (NM_001202435.3, NM_001353948.2); c.5737_5757del, p.Arg1913_Leu1919del (NM_001353949.2, NM_001353950.2, NM_001353951.2 and 2 more transcripts); c.5734_5754del, p.Arg1912_Leu1918del (NM_001353954.2, NM_001353955.2); c.5683_5703del, p.Arg1895_Leu1901del (NM_001353960.2); c.3328_3348del, p.Arg1110_Leu1116del (NM_001353961.2); c.5770_5790delCGTGCTTACAGACGCCACCTT (NM_001165963.1).
Identifiers: ClinVar variation 206926 (VCV000206926.1), dbSNP rs796053088, ClinGen allele CA317744.